The following is an entry in ClinVar:

ClinVar aggregate classification (germline): Uncertain significance (1 of 4 stars; one submission).

gnomAD v4.1: 2 of 1,613,646 alleles (0.00012%); highest among the groups gnomAD compares: East Asian, 0.0045%; no homozygotes.

Submission:

Labcorp Genetics (formerly Invitae), Labcorp
Classification: Uncertain significance. Last evaluated: 2024-10-13. Review status: criteria provided, single submitter. Criteria: Invitae Variant Classification Sherloc (09022015). Collection method: clinical testing. Allele origin: germline.
Comment: This sequence change replaces serine, which is neutral and polar, with threonine, which is neutral and polar, at codon 2 of the CASQ1 protein (p.Ser2Thr). This variant is present in population databases (rs781617550, gnomAD 0.006%). This variant has not been reported in the literature in individuals affected with CASQ1-related conditions. An algorithm developed to predict the effect of missense changes on protein structure and function (PolyPhen-2) suggests that this variant is likely to be tolerated. In summary, the available evidence is currently insufficient to determine the role of this variant in disease. Therefore, it has been classified as a Variant of Uncertain Significance.

NM_001231.5(CASQ1):c.5G>C (p.Ser2Thr)

Gene: CASQ1 (calsequestrin 1; plus strand). Cytogenetic location: 1q23.2.
Variant type: single nucleotide variant.
Coding change: c.5G>C on transcript NM_001231.5 (MANE Select); coding-DNA position 5, G replaced by C.
Protein change: p.Ser2Thr; replaces serine 2 with threonine.
Molecular consequence: missense variant.
Genome position (GRCh38, 1-based): chr1:160,190,756, G>C. VCF-style: chr1-160190756-G-C. GRCh37 (hg19) VCF-style: chr1-160160546-G-C.
Other names: short protein forms S2T.
Identifiers: ClinVar variation 3693592 (VCV003693592.2).